The following is an entry in ClinVar:

ClinVar aggregate classification (germline): Pathogenic (1 of 4 stars; one submission).

Conditions:
Epilepsy, idiopathic generalized, susceptibility to, 15 (EIG15). Identifiers: MedGen C5193050, MONDO:0032699, OMIM 618357.

Submission:

Institute of Human Genetics, University of Leipzig Medical Center
Classification: Pathogenic for Epilepsy, idiopathic generalized, susceptibility to, 15. Last evaluated: 2026-05-19. Review status: criteria provided, single submitter. Criteria: ACMG Guidelines, 2015. Collection method: clinical testing. Allele origin: unknown. Inheritance: Autosomal dominant inheritance. Affected: yes.
Comment: Criteria applied: PVS1,PM2

NM_006914.4(RORB):c.1122G>A (p.Trp374Ter)

Gene: RORB (RAR related orphan receptor B; plus strand). Cytogenetic location: 9q21.13.
Variant type: single nucleotide variant.
Coding change: c.1122G>A on transcript NM_006914.4 (MANE Select); coding-DNA position 1122, G replaced by A.
Protein change: p.Trp374Ter; replaces tryptophan 374 with a stop codon.
Molecular consequence: nonsense.
Genome position (GRCh38, 1-based): chr9:74,671,799, G>A. VCF-style: chr9-74671799-G-A. GRCh37 (hg19) VCF-style: chr9-77286715-G-A.
Other names: c.1155G>A, p.Trp385Ter (NM_001365023.1); short protein forms W374*, W385*.
Identifiers: ClinVar variation 4857421 (VCV004857421.1).